The following is an entry in ClinVar:

NM_031220.4(PITPNM3):c.1625-2A>G

Gene: PITPNM3 (PITPNM family member 3; minus strand). Cytogenetic location: 17p13.2.
Variant type: single nucleotide variant.
Coding change: c.1625-2A>G on transcript NM_031220.4 (MANE Select); the canonical splice acceptor site of the intron before coding-DNA position 1625, A replaced by G.
Molecular consequence: splice acceptor variant.
Genome position (GRCh38, 1-based): chr17:6,470,410, T>C on the plus strand (A>G on the coding strand, the complement: PITPNM3 is on the minus strand). VCF-style: chr17-6470410-T-C. GRCh37 (hg19) VCF-style: chr17-6373730-T-C.
Other names: c.1517-2A>G (NM_001165966.2).
Identifiers: ClinVar variation 4533221 (VCV004533221.1).

ClinVar aggregate classification (germline): Uncertain significance (1 of 4 stars; one submission).

Conditions:
Cone-rod dystrophy 5 (CORD5). Identifiers: Orphanet 1872, MedGen C1832976, MONDO:0010969, OMIM 600977.

Submission:

Juno Genomics, Hangzhou Juno Genomics, Inc
Classification: Uncertain significance for Cone-rod dystrophy 5. Review status: criteria provided, single submitter. Criteria: ACMG Guidelines, 2015. Collection method: clinical testing. Allele origin: germline. Affected: yes.
Comment: Absent from controls (or at extremely low frequency if recessive) in Genome Aggregation Database, Exome Sequencing Project, 1000 Genomes Project, or Exome Aggregation Consortium.